The following is an entry in ClinVar:

NM_001277115.2(DNAH11):c.2346C>A (p.Tyr782Ter)

Gene: DNAH11 (dynein axonemal heavy chain 11; plus strand). Cytogenetic location: 7p15.3.
Variant type: single nucleotide variant.
Coding change: c.2346C>A on transcript NM_001277115.2 (MANE Select); coding-DNA position 2346, C replaced by A.
Protein change: p.Tyr782Ter; replaces tyrosine 782 with a stop codon.
Molecular consequence: nonsense.
Genome position (GRCh38, 1-based): chr7:21,591,256, C>A. VCF-style: chr7-21591256-C-A. GRCh37 (hg19) VCF-style: chr7-21630874-C-A.
Other names: short protein forms Y782*.
Identifiers: ClinVar variation 4772354 (VCV004772354.1).
Genomic context (GRCh38, chr7:21,591,256, plus strand): 5'-TCTTGACCTTCTTGTGCAAGGGTATAATAAACTCAAACAGACGCTCCTGGAAGTTGAATA[C>A]CCTCTGATTGAAGATGAGCTGAGGGCTATTGACGAGCAGCTGACAGCAGCCACAACGTGG-3'

ClinVar aggregate classification (germline): Pathogenic (1 of 4 stars; one submission).

Conditions:
Primary ciliary dyskinesia. Also called: Ciliary dyskinesia. Identifiers: Orphanet 244, MedGen C0008780, MONDO:0016575, HP:0012265.

gnomAD v4.1: 4 of 1,604,086 alleles (0.00025%); highest among the groups gnomAD compares: African/African-American, 0.004%; no homozygotes.

Submission:

Labcorp Genetics (formerly Invitae), Labcorp
Classification: Pathogenic for Primary ciliary dyskinesia. Last evaluated: 2026-01-07. Review status: criteria provided, single submitter. Criteria: Invitae Variant Classification Sherloc (09022015). Collection method: clinical testing. Allele origin: germline.
Comment: This sequence change creates a premature translational stop signal (p.Tyr782*) in the DNAH11 gene. It is expected to result in an absent or disrupted protein product. Loss-of-function variants in DNAH11 are known to be pathogenic (PMID: 18022865, 20513915, 22184204). The frequency data for this variant in the population databases is considered unreliable, as metrics indicate poor data quality at this position in the gnomAD database. This variant has not been reported in the literature in individuals affected with DNAH11-related conditions. For these reasons, this variant has been classified as Pathogenic.

Literature cited by the submitters: PubMed 18022865; PubMed 20513915; PubMed 22184204.